The following is an entry in ClinVar:

ClinVar aggregate classification (germline): Benign. Review status: criteria provided, multiple submitters, no conflicts (2 of 4 stars). 2 submissions from 2 submitters: Benign (2). Last evaluated 2018-06-14.

Allele frequency attached by ClinVar (database versions not stated): 1000 Genomes Project 30x 0.04934; gnomAD 0.04954 and 0.05147; gnomAD exomes 0.05694; TOPMed 0.04774; 1000 Genomes Project 0.05212.

Submissions (2):

GeneDx
Classification: Benign. Last evaluated: 2018-06-14. Review status: criteria provided, single submitter. Criteria: GeneDx Variant Classification (06012015). Collection method: clinical testing. Allele origin: germline. Affected: yes.
Comment: This variant is considered likely benign or benign based on one or more of the following criteria: it is a conservative change, it occurs at a poorly conserved position in the protein, it is predicted to be benign by multiple in silico algorithms, and/or has population frequency not consistent with disease.

Breakthrough Genomics
Classification: Benign. Review status: criteria provided, single submitter. Criteria: ACMG Guidelines, 2015. Collection method: not provided. Allele origin: germline. Inheritance: Autosomal dominant inheritance. Affected: yes.

NM_030662.3(MAP2K2):c.-269G>A

Gene: MAP2K2 (mitogen-activated protein kinase kinase 2; minus strand). Cytogenetic location: 19p13.3.
Variant type: single nucleotide variant.
Coding change: c.-269G>A on transcript NM_030662.3; 269 bases upstream of the start codon, G replaced by A.
Genome position (GRCh38, 1-based): chr19:4,124,144, C>T on the plus strand (G>A on the coding strand, the complement: MAP2K2 is on the minus strand). VCF-style: chr19-4124144-C-T. GRCh37 (hg19) VCF-style: chr19-4124141-C-T.
Identifiers: ClinVar variation 561360 (VCV000561360.4), dbSNP rs112548538, ClinGen allele CA304449460.